The following is an entry in ClinVar:

NM_001001563.5(TIMM50):c.961-18A>G

Gene: TIMM50 (translocase of inner mitochondrial membrane 50; plus strand). Cytogenetic location: 19q13.2.
Variant type: single nucleotide variant.
Coding change: c.961-18A>G on transcript NM_001001563.5 (MANE Select); 18 bases into the intron before coding-DNA position 961, A replaced by G.
Molecular consequence: intron variant.
Genome position (GRCh38, 1-based): chr19:39,489,701, A>G. VCF-style: chr19-39489701-A-G. GRCh37 (hg19) VCF-style: chr19-39980341-A-G.
Other names: c.622-18A>G (NM_001329559.2).
Identifiers: ClinVar variation 4686084 (VCV004686084.1).

ClinVar aggregate classification (germline): Uncertain significance (1 of 4 stars; one submission).

Conditions:
3-methylglutaconic aciduria type 9. Also called: 3-METHYLGLUTACONIC ACIDURIA, TYPE IX. Identifiers: Orphanet 505216, MedGen C4540171, MONDO:0044724, OMIM 617698.

gnomAD v4.1: 4 of 1,592,306 alleles (0.00025%); highest among the groups gnomAD compares: African/African-American, 0.0013%; no homozygotes.

Submission:

Department of Molecular Genetics, Istishari Arab Hospital
Classification: Uncertain significance for 3-methylglutaconic aciduria type 9. Last evaluated: 2026-01-15. Review status: criteria provided, single submitter. Criteria: ACMG Guidelines, 2015. Collection method: clinical testing. Allele origin: germline. Inheritance: Autosomal recessive inheritance. Affected: yes.
Comment: The TIMM50 variant c.961-18A>G is located in a non-coding region, but in silico tools predict the variant to alter splicing and produce an abnormal transcript [SpliceAI: 0.89]. The variant is observed at an extremely low frequency in the gnomAD v4.1.0 dataset (total allele frequency: <0.001%). To the best of our knowledge, this variant has not been previously reported in the literature. It is classified as a variant of uncertain significance according to the recommendations of ACMG/AMP/ClinGen SVI guidelines.